The following is an entry in ClinVar:

NM_000038.6(APC):c.1906G>A (p.Gly636Ser)

Gene: APC (APC regulator of Wnt signaling pathway; plus strand). Cytogenetic location: 5q22.2.
Variant type: single nucleotide variant.
Coding change: c.1906G>A on transcript NM_000038.6 (MANE Select); coding-DNA position 1906, G replaced by A.
Protein change: p.Gly636Ser; replaces glycine 636 with serine.
Molecular consequence: missense variant.
Genome position (GRCh38, 1-based): chr5:112,835,113, G>A. VCF-style: chr5-112835113-G-A. GRCh37 (hg19) VCF-style: chr5-112170810-G-A.
Other names: c.1906G>A, p.Gly636Ser (NM_001127510.3, NM_001354895.2); c.1852G>A, p.Gly618Ser (NM_001127511.3); c.1960G>A, p.Gly654Ser (NM_001354896.2); c.1936G>A, p.Gly646Ser (NM_001354897.2); c.1831G>A, p.Gly611Ser (NM_001354898.2); c.1822G>A, p.Gly608Ser (NM_001354899.2); c.1783G>A, p.Gly595Ser (NM_001354900.2); c.1729G>A, p.Gly577Ser (NM_001354901.2); and 5 more; short protein forms G618S, G636S, G535S, G577S, G353S, G510S, G611S, G646S.
Identifiers: ClinVar variation 485113 (VCV000485113.5), dbSNP rs1554083224, ClinGen allele CA16025485.

ClinVar aggregate classification (germline): Uncertain significance (1 of 4 stars; one submission).

Conditions:
Hereditary cancer-predisposing syndrome. Also called: Neoplastic Syndromes, Hereditary; Tumor predisposition; Hereditary Cancer Syndrome; Hereditary neoplastic syndrome. Identifiers: Orphanet 140162, MedGen C0027672, MeSH D009386, MONDO:0015356.

Submission:

Ambry Genetics
Classification: Uncertain significance for Hereditary cancer-predisposing syndrome. Last evaluated: 2016-02-05. Review status: criteria provided, single submitter. Criteria: Ambry Variant Classification Scheme 2023. Collection method: clinical testing. Allele origin: germline.
Comment: The p.G636S variant (also known as c.1906G>A), located in coding exon 14 of the APC gene, results from a G to A substitution at nucleotide position 1906. The glycine at codon 636 is replaced by serine, an amino acid with similar properties. This variant was not reported in population based cohorts in the following databases: Database of Single Nucleotide Polymorphisms (dbSNP), NHLBI Exome Sequencing Project (ESP), and 1000 Genomes Project. In the ESP, this variant was not observed in 6502 samples (13004 alleles) with coverage at this position. To date, this alteration has been detected with an allele frequency of approximately 0.001% (greater than 70000 alleles tested) in our clinical cohort. This amino acid position is highly conserved in available vertebrate species. In addition, in silico predictors for this gene do not accurately predict pathogenicity. Since supporting evidence is limited at this time, the clinical significance of this alteration remains unclear.